The following is an entry in ClinVar:

NM_000075.4(CDK4):c.599T>C (p.Val200Ala)

Gene: CDK4 (cyclin dependent kinase 4; minus strand). Cytogenetic location: 12q14.1.
Variant type: single nucleotide variant.
Coding change: c.599T>C on transcript NM_000075.4 (MANE Select); coding-DNA position 599, T replaced by C.
Protein change: p.Val200Ala; replaces valine 200 with alanine.
Molecular consequence: missense variant.
Genome position (GRCh38, 1-based): chr12:57,750,689, A>G on the plus strand (T>C on the coding strand, the complement: CDK4 is on the minus strand). VCF-style: chr12-57750689-A-G. GRCh37 (hg19) VCF-style: chr12-58144472-A-G.
Other names: c.599T>C (NM_000075.2); short protein forms V200A.
Identifiers: ClinVar variation 408335 (VCV000408335.15), dbSNP rs1060501929, ClinGen allele CA16613768.

ClinVar aggregate classification (germline): Uncertain significance. Review status: criteria provided, multiple submitters, no conflicts (2 of 4 stars). 3 submissions from 3 submitters: Uncertain significance (3). Last evaluated 2025-11-22.

Conditions:
Familial melanoma. Also called: Hereditary melanoma; Hereditary cutaneous melanoma. Identifiers: Orphanet 618, MedGen C1512419, MONDO:0018961.
Hereditary cancer-predisposing syndrome. Also called: Hereditary neoplastic syndrome; Tumor predisposition; Hereditary Cancer Syndrome; Neoplastic Syndromes, Hereditary. Identifiers: Orphanet 140162, MedGen C0027672, MeSH D009386, MONDO:0015356.

Allele frequency attached by ClinVar (database versions not stated): gnomAD exomes 0.00002.

Submissions (3):

Ambry Genetics
Classification: Uncertain significance for Hereditary cancer-predisposing syndrome. Last evaluated: 2025-11-22. Review status: criteria provided, single submitter. Criteria: Ambry Variant Classification Scheme 2023. Collection method: clinical testing. Allele origin: germline.
Comment: The p.V200A variant (also known as c.599T>C), located in coding exon 4 of the CDK4 gene, results from a T to C substitution at nucleotide position 599. The valine at codon 200 is replaced by alanine, an amino acid with similar properties. This amino acid position is not well conserved in available vertebrate species. In addition, this alteration is predicted to be tolerated by in silico analysis. Since supporting evidence is limited at this time, the clinical significance of this alteration remains unclear.

Labcorp Genetics (formerly Invitae), Labcorp
Classification: Uncertain significance for Familial melanoma. Last evaluated: 2024-06-24. Review status: criteria provided, single submitter. Criteria: Invitae Variant Classification Sherloc (09022015). Collection method: clinical testing. Allele origin: germline.
Comment: This sequence change replaces valine, which is neutral and non-polar, with alanine, which is neutral and non-polar, at codon 200 of the CDK4 protein (p.Val200Ala). This variant is not present in population databases (gnomAD no frequency). This variant has not been reported in the literature in individuals affected with CDK4-related conditions. ClinVar contains an entry for this variant (Variation ID: 408335). An algorithm developed to predict the effect of missense changes on protein structure and function (PolyPhen-2) suggests that this variant is likely to be tolerated. In summary, the available evidence is currently insufficient to determine the role of this variant in disease. Therefore, it has been classified as a Variant of Uncertain Significance.

GeneDx
Classification: Uncertain significance. Last evaluated: 2023-06-07. Review status: criteria provided, single submitter. Criteria: GeneDx Variant Classification Process June 2021. Collection method: clinical testing. Allele origin: germline.
Comment: Not observed at significant frequency in large population cohorts (gnomAD); In silico analysis supports that this missense variant does not alter protein structure/function; Has not been previously published as pathogenic or benign to our knowledge